The following is an entry in ClinVar:

ClinVar aggregate classification (germline): Uncertain significance (1 of 4 stars; one submission).

Conditions:
Inborn genetic diseases. Identifiers: MedGen C0950123, MeSH D030342.

gnomAD v4.1: 17 of 1,613,884 alleles (0.0011%); highest among the groups gnomAD compares: South Asian, 0.015%; no homozygotes.

Submission:

Ambry Genetics
Classification: Uncertain significance for Inborn genetic diseases. Last evaluated: 2024-11-30. Review status: criteria provided, single submitter. Criteria: Ambry Variant Classification Scheme 2023. Collection method: clinical testing. Allele origin: germline.
Comment: The p.D21H variant (also known as c.61G>C), located in coding exon 2 of the HAX1 gene, results from a G to C substitution at nucleotide position 61. The aspartic acid at codon 21 is replaced by histidine, an amino acid with similar properties. This amino acid position is conserved. In addition, this alteration is predicted to be deleterious by in silico analysis. Based on the available evidence, the clinical significance of this variant remains unclear.

NM_006118.4(HAX1):c.61G>C (p.Asp21His)

Gene: HAX1 (HCLS1 associated protein X-1; plus strand). Cytogenetic location: 1q21.3.
Variant type: single nucleotide variant.
Coding change: c.61G>C on transcript NM_006118.4 (MANE Select); coding-DNA position 61, G replaced by C.
Protein change: p.Asp21His; replaces aspartic acid 21 with histidine.
Molecular consequence: missense variant. On other transcripts: intron variant (1).
Genome position (GRCh38, 1-based): chr1:154,273,343, G>C. VCF-style: chr1-154273343-G-C. GRCh37 (hg19) VCF-style: chr1-154245819-G-C.
Other names: c.54-137G>C (NM_001018837.2); short protein forms D21H.
Identifiers: ClinVar variation 3524094 (VCV003524094.1).